The following is an entry in ClinVar:

ClinVar aggregate classification (germline): Uncertain significance. Review status: criteria provided, multiple submitters, no conflicts (2 of 4 stars). 3 submissions from 3 submitters: Uncertain significance (3). Last evaluated 2024-04-12.

Conditions:
Cone-rod dystrophy 20 (CORD20). Identifiers: Orphanet 1872, MedGen C4014856, MONDO:0014427, OMIM 615973.

Allele frequency attached by ClinVar (database versions not stated): gnomAD 0.00001 and 0.00002; gnomAD exomes 0.00003 and 0.00006; TOPMed 0.00003; ExAC 0.00007.
gnomAD v4.1: 58 of 1,613,778 alleles (0.0036%); highest among the groups gnomAD compares: Middle Eastern, 0.033%; no homozygotes.

Submissions (3):

Fulgent Genetics
Classification: Uncertain significance for Cone-rod dystrophy 20. Last evaluated: 2024-04-12. Review status: criteria provided, single submitter. Criteria: ACMG Guidelines, 2015. Collection method: clinical testing. Allele origin: germline.

Labcorp Genetics (formerly Invitae), Labcorp
Classification: Uncertain significance. Last evaluated: 2022-05-18. Review status: criteria provided, single submitter. Criteria: Invitae Variant Classification Sherloc (09022015). Collection method: clinical testing. Allele origin: germline.
Comment: In summary, the available evidence is currently insufficient to determine the role of this variant in disease. Therefore, it has been classified as a Variant of Uncertain Significance. Algorithms developed to predict the effect of missense changes on protein structure and function (SIFT, PolyPhen-2, Align-GVGD) all suggest that this variant is likely to be tolerated. ClinVar contains an entry for this variant (Variation ID: 1014152). This variant has not been reported in the literature in individuals affected with POC1B-related conditions. This variant is present in population databases (rs770860408, gnomAD 0.02%). This sequence change replaces threonine, which is neutral and polar, with methionine, which is neutral and non-polar, at codon 406 of the POC1B protein (p.Thr406Met).

Blueprint Genetics
Classification: Uncertain significance. Last evaluated: 2019-11-07. Review status: criteria provided, single submitter. Criteria: ACMG Guidelines, 2015. Collection method: clinical testing. Allele origin: germline.

NM_172240.3(POC1B):c.1217C>T (p.Thr406Met)

Genes: POC1B (POC1 centriolar protein B; minus strand), POC1B-DUSP6 (POC1B-DUSP6 readthrough; minus strand). Cytogenetic location: 12q21.33.
Variant type: single nucleotide variant.
Coding change: c.1217C>T on transcript NM_172240.3 (MANE Select); coding-DNA position 1217, C replaced by T.
Protein change: p.Thr406Met; replaces threonine 406 with methionine.
Molecular consequence: missense variant. On other transcripts: non-coding transcript variant (2).
Genome position (GRCh38, 1-based): chr12:89,425,276, G>A on the plus strand (C>T on the coding strand, the complement: POC1B is on the minus strand). VCF-style: chr12-89425276-G-A. GRCh37 (hg19) VCF-style: chr12-89819053-G-A.
Other names: c.1091C>T, p.Thr364Met (NM_001199777.2); short protein forms T364M, T406M.
Identifiers: ClinVar variation 1014152 (VCV001014152.7), dbSNP rs770860408, ClinGen allele CA6714229.